The following is an entry in ClinVar:

NM_000360.4(TH):c.1400A>G (p.Asp467Gly)

Gene: TH (tyrosine hydroxylase; minus strand). Cytogenetic location: 11p15.5.
Variant type: single nucleotide variant.
Coding change: c.1400A>G on transcript NM_000360.4 (MANE Select); coding-DNA position 1400, A replaced by G.
Protein change: p.Asp467Gly; replaces aspartic acid 467 with glycine.
Molecular consequence: missense variant.
Genome position (GRCh38, 1-based): chr11:2,164,327, T>C on the plus strand (A>G on the coding strand, the complement: TH is on the minus strand). VCF-style: chr11-2164327-T-C. GRCh37 (hg19) VCF-style: chr11-2185557-T-C.
Other names: c.1493A>G, p.Asp498Gly (NM_199292.3); c.1481A>G, p.Asp494Gly (NM_199293.3); short protein forms D467G, D498G, D494G.
Identifiers: ClinVar variation 304067 (VCV000304067.23), dbSNP rs771351747, ClinGen allele CA5818249.

ClinVar aggregate classification (germline): Conflicting classifications of pathogenicity. Review status: criteria provided, conflicting classifications (1 of 4 stars). 7 submissions from 7 submitters: Pathogenic (2); Likely pathogenic (3); Uncertain significance (1). 1 of the submissions does not count toward it. Last evaluated 2026-06-03.

Conditions:
TH-deficient dopa-responsive dystonia. Also called: DYT-TH; Segawa syndrome, autosomal recessive; Tyrosine Hydroxylase-Deficient Dopa-Responsive Dystonia. Identifiers: Orphanet 101150, MedGen C2673535, MONDO:0011551, OMIM 605407.

Allele frequency attached by ClinVar (database versions not stated): gnomAD 0.00003; TOPMed 0.00005; ExAC 0.00008; gnomAD exomes 0.00006.
gnomAD v4.1: 85 of 1,540,006 alleles (0.0055%); highest among the groups gnomAD compares: Non-Finnish European, 0.0073%; no homozygotes.

Submissions (7):

Myriad Genetics, Inc.
Classification: Uncertain significance for TH-deficient dopa-responsive dystonia. Last evaluated: 2026-06-03. Review status: criteria provided, single submitter. Criteria: Myriad Autosomal Dominant, Autosomal Recessive and X-Linked Classification Criteria (2023). Collection method: clinical testing. Allele origin: unknown.
Comment: NM_199292.2(TH):c.1493A>G(D498G) is a missense variant classified as a variant of uncertain significance in the context of tyrosine hydroxylase deficiency. D498G has been observed in cases with relevant disease (PMID: 11160968, 23939262, 15747353, 15505183, Alarcon_2021_(Article)). Relevant functional assessments of this variant are available in the literature (PMID: 24753243, 30411798). D498G has been observed in referenced population frequency databases. In summary, there is insufficient evidence to classify NM_199292.2(TH):c.1493A>G(D498G) as pathogenic or benign. Please note: this variant was assessed in the context of healthy population screening.

Labcorp Genetics (formerly Invitae), Labcorp
Classification: Pathogenic for TH-deficient dopa-responsive dystonia. Last evaluated: 2026-01-09. Review status: criteria provided, single submitter. Criteria: Invitae Variant Classification Sherloc (09022015). Collection method: clinical testing. Allele origin: germline.
Comment: This sequence change replaces aspartic acid, which is acidic and polar, with glycine, which is neutral and non-polar, at codon 498 of the TH protein (p.Asp498Gly). This variant is present in population databases (rs771351747, gnomAD 0.01%). This missense change has been observed in individual(s) with TH-related conditions and L-dopa responsive dystonia (PMID: 11160968, 15505183, 15747353). In at least one individual the data is consistent with being in trans (on the opposite chromosome) from a pathogenic variant. It has also been observed to segregate with disease in related individuals. ClinVar contains an entry for this variant (Variation ID: 304067). Invitae Evidence Modeling of protein sequence and biophysical properties (such as structural, functional, and spatial information, amino acid conservation, physicochemical variation, residue mobility, and thermodynamic stability) has been performed for this missense variant. However, the output from this modeling did not meet the statistical confidence thresholds required to predict the impact of this variant on TH protein function. Experimental studies have shown that this missense change affects TH function (PMID: 24753243). For these reasons, this variant has been classified as Pathogenic.

Natera, Inc.
Classification: Likely pathogenic for Autosomal recessive Segawa syndrome. Last evaluated: 2025-10-13. Review status: criteria provided, single submitter. Criteria: Natera Variant Classification Schema (03/2026). Collection method: clinical testing. Allele origin: germline.
Comment: The c.1493A>G variant in TH is a missense variant predicted to cause substitution of aspartic acid to glycine at amino acid 498. This variant is rare in the general population with a frequency below the threshold expected for the associated phenotype(s). This variant has been observed in one or more individuals affected with the associated recessive disease, as either homozygous or compound heterozygous with a second variant (PMID: 11160968, 23939262). Additionally, this variant has been observed to segregate in affected family members (PMID: 15505183). Computational prediction algorithms indicate this variant is likely to affect gene or protein function. Given the available evidence, this variant is classified as Likely Pathogenic.

GeneDx
Classification: Pathogenic. Last evaluated: 2024-10-22. Review status: criteria provided, single submitter. Criteria: GeneDx Variant Classification Process June 2021. Collection method: clinical testing. Allele origin: germline. Affected: yes.
Comment: Published functional studies demonstrate the p.D498G variant is associated with decreased enzyme solubility and activity, a change in substrate specificity, and decreased thermal stability (PMID: 24753243, 30411798); In silico analysis supports that this missense variant has a deleterious effect on protein structure/function; This variant is associated with the following publications: (PMID: 27185167, 11160968, 15747353, 24753243, 30411798, 15505183, 23939262)

Fulgent Genetics
Classification: Likely pathogenic for TH-deficient dopa-responsive dystonia. Last evaluated: 2024-04-19. Review status: criteria provided, single submitter. Criteria: ACMG Guidelines, 2015. Collection method: clinical testing. Allele origin: germline.

Baylor Genetics
Classification: Likely pathogenic for TH-deficient dopa-responsive dystonia. Last evaluated: 2024-03-24. Review status: criteria provided, single submitter. Criteria: ACMG Guidelines, 2015. Collection method: clinical testing. Allele origin: unknown.

Counsyl
Classification: Likely pathogenic for TH-deficient dopa-responsive dystonia. Last evaluated: 2017-05-12. Review status: no assertion criteria provided. Collection method: clinical testing. Allele origin: unknown. Not counted in ClinVar's aggregate classification.

Literature cited by the submitters: PubMed 24753243 (cited by 3 submitters); PubMed 30411798 (cited by Myriad Genetics, Inc.); PubMed 11160968 (cited by 3 submitters); PubMed 15505183 (cited by 3 submitters); PubMed 15747353 (cited by Labcorp Genetics (formerly Invitae), Labcorp and Counsyl); PubMed 23939262 (cited by Natera, Inc. and Counsyl).